The following is an entry in ClinVar:

ClinVar aggregate classification (germline): Uncertain significance (1 of 4 stars; one submission).

Submission:

Labcorp Genetics (formerly Invitae), Labcorp
Classification: Uncertain significance. Last evaluated: 2022-02-12. Review status: criteria provided, single submitter. Criteria: Invitae Variant Classification Sherloc (09022015). Collection method: clinical testing. Allele origin: germline.
Comment: In summary, the available evidence is currently insufficient to determine the role of this variant in disease. Therefore, it has been classified as a Variant of Uncertain Significance. Algorithms developed to predict the effect of sequence changes on RNA splicing suggest that this variant may disrupt the consensus splice site. This sequence change falls in intron 8 of the DMXL2 gene. It does not directly change the encoded amino acid sequence of the DMXL2 protein. This variant is not present in population databases (gnomAD no frequency). This variant has not been reported in the literature in individuals affected with DMXL2-related conditions.

NM_001378457.1(DMXL2):c.931-6T>C

Gene: DMXL2 (Dmx like 2; minus strand). Cytogenetic location: 15q21.2.
Variant type: single nucleotide variant.
Coding change: c.931-6T>C on transcript NM_001378457.1 (MANE Select); 6 bases into the intron before coding-DNA position 931, T replaced by C.
Molecular consequence: intron variant.
Genome position (GRCh38, 1-based): chr15:51,542,513, A>G on the plus strand (T>C on the coding strand, the complement: DMXL2 is on the minus strand). VCF-style: chr15-51542513-A-G. GRCh37 (hg19) VCF-style: chr15-51834710-A-G.
Other names: c.931-6T>C (NM_001378460.1, NM_001174117.3, NM_015263.5 and 7 more transcripts).
Identifiers: ClinVar variation 2097306 (VCV002097306.4), dbSNP rs2548627891, ClinGen allele CA2580089787.